The following is an entry in ClinVar:

NM_022124.6(CDH23):c.9634G>T (p.Gly3212Cys)

Gene: CDH23 (cadherin related 23; plus strand). Cytogenetic location: 10q22.1.
Variant type: single nucleotide variant.
Coding change: c.9634G>T on transcript NM_022124.6 (MANE Select); coding-DNA position 9634, G replaced by T.
Protein change: p.Gly3212Cys; replaces glycine 3212 with cysteine.
Molecular consequence: missense variant. On other transcripts: intron variant (2).
Genome position (GRCh38, 1-based): chr10:71,813,244, G>T. VCF-style: chr10-71813244-G-T. GRCh37 (hg19) VCF-style: chr10-73573001-G-T.
Other names: c.2914G>T, p.Gly972Cys (NM_001171933.1); c.325G>T, p.Gly109Cys (NM_001171935.1); c.2913+354G>T (NM_001171934.1); c.324+354G>T (NM_001171936.1); short protein forms G109C, G3212C, G972C.
Identifiers: ClinVar variation 1011484 (VCV001011484.6), dbSNP rs1842002891, ClinGen allele CA377137201.

ClinVar aggregate classification (germline): Uncertain significance (1 of 4 stars; one submission).

gnomAD v4.1: 1 of 1,551,554 alleles (0.000064%); highest among the groups gnomAD compares: African/African-American, 0.0014%; no homozygotes.

Submission:

Labcorp Genetics (formerly Invitae), Labcorp
Classification: Uncertain significance. Last evaluated: 2021-08-31. Review status: criteria provided, single submitter. Criteria: Invitae Variant Classification Sherloc (09022015). Collection method: clinical testing. Allele origin: germline.
Comment: This sequence change replaces glycine with cysteine at codon 3212 of the CDH23 protein (p.Gly3212Cys). The glycine residue is moderately conserved and there is a large physicochemical difference between glycine and cysteine. This variant is not present in population databases (ExAC no frequency). This variant has not been reported in the literature in individuals affected with CDH23-related conditions. Algorithms developed to predict the effect of missense changes on protein structure and function are either unavailable or do not agree on the potential impact of this missense change (SIFT: "Deleterious"; PolyPhen-2: "Not Available"; Align-GVGD: "Class C0"). In summary, the available evidence is currently insufficient to determine the role of this variant in disease. Therefore, it has been classified as a Variant of Uncertain Significance.